The following is an entry in ClinVar:

NM_138295.5(PKD1L1):c.7534A>G (p.Ile2512Val)

Genes: PKD1L1 (polycystin 1 like 1, transient receptor potential channel interacting; minus strand), PKD1L1-AS1 (PKD1L1 antisense RNA 1; plus strand). Cytogenetic location: 7p12.3.
Variant type: single nucleotide variant.
Coding change: c.7534A>G on transcript NM_138295.5 (MANE Select); coding-DNA position 7534, A replaced by G.
Protein change: p.Ile2512Val; replaces isoleucine 2512 with valine.
Molecular consequence: missense variant.
Genome position (GRCh38, 1-based): chr7:47,811,864, T>C on the plus strand (A>G on the coding strand, the complement: PKD1L1 is on the minus strand). VCF-style: chr7-47811864-T-C. GRCh37 (hg19) VCF-style: chr7-47851462-T-C.
Other names: short protein forms I2512V.
Identifiers: ClinVar variation 3358202 (VCV003358202.1).

ClinVar aggregate classification (germline): Uncertain significance (0 of 4 stars; one submission).

Conditions:
PKD1L1-related disorder. Also called: PKD1L1-related condition.

gnomAD v4.1: 4 of 1,610,990 alleles (0.00025%); highest among the groups gnomAD compares: Admixed American, 0.005%; no homozygotes.

Submission:

PreventionGenetics, part of Exact Sciences
Classification: Uncertain significance for PKD1L1-related condition. Last evaluated: 2024-03-25. Review status: no assertion criteria provided. Collection method: clinical testing. Allele origin: germline.
Comment: The PKD1L1 c.7534A>G variant is predicted to result in the amino acid substitution p.Ile2512Val. To our knowledge, this variant has not been reported in the literature. This variant is reported in 0.0088% of alleles in individuals of Latino descent in gnomAD. At this time, the clinical significance of this variant is uncertain due to the absence of conclusive functional and genetic evidence.